The following is an entry in ClinVar:

NM_015662.3(IFT172):c.78G>T (p.Gln26His)

Gene: IFT172 (intraflagellar transport 172; minus strand). Cytogenetic location: 2p23.3.
Variant type: single nucleotide variant.
Coding change: c.78G>T on transcript NM_015662.3 (MANE Select); coding-DNA position 78, G replaced by T.
Protein change: p.Gln26His; replaces glutamine 26 with histidine.
Molecular consequence: missense variant.
Genome position (GRCh38, 1-based): chr2:27,485,465, C>A on the plus strand (G>T on the coding strand, the complement: IFT172 is on the minus strand). VCF-style: chr2-27485465-C-A. GRCh37 (hg19) VCF-style: chr2-27708332-C-A.
Other names: c.78G>T, p.Gln26His (NM_001410739.1); short protein forms Q26H.
Identifiers: ClinVar variation 1978727 (VCV001978727.4), dbSNP rs1425471550, ClinGen allele CA346403772.

ClinVar aggregate classification (germline): Uncertain significance (1 of 4 stars; one submission).

Conditions:
Retinitis pigmentosa 71 (RP71). Identifiers: Orphanet 791, MedGen C4225342, MONDO:0014618, OMIM 616394.
Short-rib thoracic dysplasia 10 with or without polydactyly (SRTD10). Identifiers: Orphanet 474, MedGen C3810175, MONDO:0014284, OMIM 615630.

Allele frequency attached by ClinVar (database versions not stated): gnomAD exomes 0.00001.
gnomAD v4.1: 9 of 1,614,126 alleles (0.00056%); highest among the groups gnomAD compares: Non-Finnish European, 0.00076%; no homozygotes.

Submission:

Labcorp Genetics (formerly Invitae), Labcorp
Classification: Uncertain significance for Retinitis pigmentosa 71; Short-rib thoracic dysplasia 10 with or without polydactyly. Last evaluated: 2022-05-06. Review status: criteria provided, single submitter. Criteria: Invitae Variant Classification Sherloc (09022015). Collection method: clinical testing. Allele origin: germline.
Comment: In summary, the available evidence is currently insufficient to determine the role of this variant in disease. Therefore, it has been classified as a Variant of Uncertain Significance. Algorithms developed to predict the effect of sequence changes on RNA splicing suggest that this variant may create or strengthen a splice site. Algorithms developed to predict the effect of missense changes on protein structure and function output the following: SIFT: "Tolerated"; PolyPhen-2: "Benign"; Align-GVGD: "Class C0". The histidine amino acid residue is found in multiple mammalian species, which suggests that this missense change does not adversely affect protein function. This variant has not been reported in the literature in individuals affected with IFT172-related conditions. This variant is present in population databases (no rsID available, gnomAD 0.0009%). This sequence change replaces glutamine, which is neutral and polar, with histidine, which is basic and polar, at codon 26 of the IFT172 protein (p.Gln26His).